The following is an entry in ClinVar:

NM_000257.4(MYH7):c.3449T>C (p.Leu1150Pro)

Gene: MYH7 (myosin heavy chain 7; minus strand). Cytogenetic location: 14q11.2.
Variant type: single nucleotide variant.
Coding change: c.3449T>C on transcript NM_000257.4 (MANE Select); coding-DNA position 3449, T replaced by C.
Protein change: p.Leu1150Pro; replaces leucine 1150 with proline.
Molecular consequence: missense variant.
Genome position (GRCh38, 1-based): chr14:23,420,122, A>G on the plus strand (T>C on the coding strand, the complement: MYH7 is on the minus strand). VCF-style: chr14-23420122-A-G. GRCh37 (hg19) VCF-style: chr14-23889331-A-G.
Other names: c.3449T>C, p.Leu1150Pro (NM_001407004.1); short protein forms L1150P.
Identifiers: ClinVar variation 5037765 (VCV005037765.1).

ClinVar aggregate classification (germline): VUS-mid (1 of 4 stars; one submission).

Conditions:
Dilated cardiomyopathy 1S (CMD1S). Identifiers: Orphanet 154, Orphanet 54260, MedGen C1834481, MONDO:0013262, OMIM 613426.

Submission:

Center for Molecular Medicine, Children’s Hospital of Fudan University
Classification: VUS-mid for Dilated cardiomyopathy 1S. Last evaluated: 2025-12-12. Review status: criteria provided, single submitter. Criteria: ACMG Guidelines 2015. Collection method: clinical testing. Allele origin: unknown. Affected: yes.
Comment: PP3+PM2